The following is an entry in ClinVar:

NM_001851.6(COL9A1):c.15-199C>G

Gene: COL9A1 (collagen type IX alpha 1 chain; minus strand). Cytogenetic location: 6q13.
Variant type: single nucleotide variant.
Coding change: c.15-199C>G on transcript NM_001851.6 (MANE Select); 199 bases into the intron before coding-DNA position 15, C replaced by G.
Molecular consequence: intron variant.
Genome position (GRCh38, 1-based): chr6:70,302,273, G>C on the plus strand (C>G on the coding strand, the complement: COL9A1 is on the minus strand). VCF-style: chr6-70302273-G-C. GRCh37 (hg19) VCF-style: chr6-71011976-G-C.
Other names: c.15-199C>G (NM_001377291.1).
Identifiers: ClinVar variation 677873 (VCV000677873.1), dbSNP rs9446221, ClinGen allele CA140830998.
Genomic context (GRCh38, chr6:70,302,273, plus strand): 5'-TTTTTTTTTTTTTTTGAGACGGAGTCTCGCTCTGTCACCCAGGCTGGAGTGCAATGGCGC[G>C]ATCTCGGCTCTTTGCAACCTCCACCTCCTGGGTTCAAACGATTCTCCTGCCTCAGCCTCC-3'

ClinVar aggregate classification (germline): Benign (1 of 4 stars; one submission).

Allele frequency attached by ClinVar (database versions not stated): gnomAD 0.10455; TOPMed 0.11613; 1000 Genomes Project 30x 0.17489; 1000 Genomes Project 0.17871.
gnomAD v4.1: 16,830 of 141,688 alleles (12%); highest among the groups gnomAD compares: East Asian, 26%; 1,180 homozygotes.

Submission:

GeneDx
Classification: Benign. Last evaluated: 2018-06-14. Review status: criteria provided, single submitter. Criteria: GeneDx Variant Classification (06012015). Collection method: clinical testing. Allele origin: germline. Affected: yes.
Comment: This variant is considered likely benign or benign based on one or more of the following criteria: it is a conservative change, it occurs at a poorly conserved position in the protein, it is predicted to be benign by multiple in silico algorithms, and/or has population frequency not consistent with disease.